The following is an entry in ClinVar:

NC_000015.10:g.(?_48470634)_(48470756_?)del

Gene: FBN1 (fibrillin 1; minus strand). Cytogenetic location: 15q21.1.
Variant type: Deletion.
Identifiers: ClinVar variation 417374 (VCV000417374.1).

ClinVar aggregate classification (germline): Likely pathogenic (1 of 4 stars; one submission).

Conditions:
Marfan syndrome (MFS). Also called: Marfan syndrome, classic; Marfan syndrome type 1; Marfan's syndrome; MARFAN SYNDROME, TYPE I; FBN1-Related Marfan Syndrome. Identifiers: Orphanet 284963, Orphanet 558, MedGen C0024796, MONDO:0007947, OMIM 154700.

Submission:

Labcorp Genetics (formerly Invitae), Labcorp
Classification: Likely pathogenic for Marfan syndrome. Last evaluated: 2016-07-05. Review status: criteria provided, single submitter. Criteria: Invitae Variant Classification Sherloc (09022015). Collection method: clinical testing. Allele origin: germline.
Comment: This variant is a gross deletion of the genomic region encompassing exon 36 of the FBN1 gene. This leads to an in-frame deletion, preserving the integrity of the reading frame. This subgenic deletion has not been reported in the literature in individuals with a FBN1-related disease. Exon 36 codes for the EGF-like domain 21. Similar single-exon subgenic deletions affecting exons 30-33 (EGF-like domains 15-18) have been reported in individuals affected with Marfan syndrome (PMID: 25944730, 11175294, 18412115). For these reasons, this variant has been classified as Likely Pathogenic.